The following is an entry in ClinVar:

ClinVar aggregate classification (germline): Uncertain significance (1 of 4 stars; one submission).

Submission:

GeneDx
Classification: Uncertain significance. Last evaluated: 2016-03-10. Review status: criteria provided, single submitter. Criteria: GeneDx Variant Classification (06012015). Collection method: clinical testing. Allele origin: germline. Affected: yes.
Comment: The E200K variant in the KIF5A gene has not been reported previously as a pathogenic variant, nor as a benign variant, to our knowledge. The E200K variant was not observed in approximately 6500 individuals of European and African American ancestry in the NHLBI Exome Sequencing Project, indicating it is not a common benign variant in these populations. The E200K variant is a non-conservative amino acid substitution, which occurs at a position that is conserved across species. However, in silico analysis is inconsistent in its predictions as to whether or not the variant is damaging to the protein structure/function. The E200K residue is located within the switch 1 cluster in the kinesin motor domain (Kawaguchi et al., 2012). Missense variants in nearby residues (M198T, S202N, S203C, R204W, R204Q) have been reported in the Human Gene Mutation Database in association with spastic paraplegia (Stenson et al., 2014), supporting the functional importance of this region of the protein. We interpret E200K as a variant of uncertain significance.

NM_004984.4(KIF5A):c.598G>A (p.Glu200Lys)

Gene: KIF5A (kinesin family member 5A; plus strand). Cytogenetic location: 12q13.3.
Variant type: single nucleotide variant.
Coding change: c.598G>A on transcript NM_004984.4 (MANE Select); coding-DNA position 598, G replaced by A.
Protein change: p.Glu200Lys; replaces glutamic acid 200 with lysine.
Molecular consequence: missense variant.
Genome position (GRCh38, 1-based): chr12:57,567,502, G>A. VCF-style: chr12-57567502-G-A. GRCh37 (hg19) VCF-style: chr12-57961285-G-A.
Other names: c.331G>A, p.Glu111Lys (NM_001354705.2); short protein forms E200K, E111K.
Identifiers: ClinVar variation 246507 (VCV000246507.2), dbSNP rs879254292, ClinGen allele CA10584433.